The following is an entry in ClinVar:

ClinVar aggregate classification (germline): Likely pathogenic (1 of 4 stars; one submission).

Conditions:
Primary ciliary dyskinesia 3. Identifiers: Orphanet 244, MedGen C1837618, MONDO:0012085, OMIM 608644.

Submission:

Myriad Genetics, Inc.
Classification: Likely pathogenic for Primary ciliary dyskinesia 3. Last evaluated: 2022-05-04. Review status: criteria provided, single submitter. Criteria: Myriad Women's Health Autosomal Recessive and X-Linked Classification Criteria (2021). Collection method: clinical testing. Allele origin: unknown.
Comment: NM_001369.2(DNAH5):c.11205del1ins17(E3735Dfs*7) is expected to be pathogenic in the context of DNAH5-related primary ciliary dyskinesia. This variant is predicted to lead to an abnormal or absent protein product due to the creation of a premature termination codon in DNAH5, a gene where loss-of-function variants are known to be pathogenic. Please note: this variant was assessed in the context of healthy population screening.

NM_001369.3(DNAH5):c.11205delinsTGTGTATAAGAGACAGT (p.Glu3735fs)

Gene: DNAH5 (dynein axonemal heavy chain 5; minus strand). Cytogenetic location: 5p15.2.
Variant type: Indel.
Coding change: c.11205delinsTGTGTATAAGAGACAGT on transcript NM_001369.3 (MANE Select); coding-DNA position 11205, G replaced by TGTGTATAAGAGACAGT.
Protein change: p.Glu3735fs; shifts the reading frame from glutamic acid 3735.
Molecular consequence: frameshift variant.
Genome position (GRCh38, 1-based): chr5:13,751,084, C replaced by ACTGTCTCTTATACACA on the plus strand (G replaced by TGTGTATAAGAGACAGT on the coding strand, the reverse complement: DNAH5 is on the minus strand). VCF-style: chr5-13751084-C-ACTGTCTCTTATACACA. GRCh37 (hg19) VCF-style: chr5-13751193-C-ACTGTCTCTTATACACA.
Other names: short protein forms E3735fs.
Identifiers: ClinVar variation 1726019 (VCV001726019.2), dbSNP rs2546608007, ClinGen allele CA2580072126.